The following is an entry in ClinVar:

ClinVar aggregate classification (germline): Likely benign. Review status: criteria provided, multiple submitters, no conflicts (2 of 4 stars). 3 submissions from 3 submitters: Likely benign (2). 1 of the submissions does not count toward it. Last evaluated 2025-04-30.

Conditions:
MEGF8-related disorder. Also called: MEGF8-related condition.
MEGF8-related Carpenter syndrome. Also called: Carpenter syndrome 2. Identifiers: Orphanet 65759, MedGen C3554247, MONDO:0013998, OMIM 614976.

Allele frequency attached by ClinVar (database versions not stated): TOPMed 0.00003; gnomAD 0.00005; ExAC 0.00009; 1000 Genomes Project 30x 0.00031; 1000 Genomes Project 0.00040.
gnomAD v4.1: 129 of 1,613,072 alleles (0.008%); highest among the groups gnomAD compares: South Asian, 0.07%; no homozygotes.

Submissions (3):

Labcorp Genetics (formerly Invitae), Labcorp
Classification: Likely benign for MEGF8-related Carpenter syndrome. Last evaluated: 2025-04-30. Review status: criteria provided, single submitter. Criteria: Invitae Variant Classification Sherloc (09022015). Collection method: clinical testing. Allele origin: germline.

CeGaT Center for Human Genetics Tuebingen
Classification: Likely benign. Last evaluated: 2022-08-01. Review status: criteria provided, single submitter. Criteria: CeGaT Center For Human Genetics Tuebingen Variant Classification Criteria Version 2. Collection method: clinical testing. Allele origin: germline. Affected: yes. Observed: 1 variant allele.
Comment: MEGF8: BP4, BP7

PreventionGenetics, part of Exact Sciences
Classification: Likely benign for MEGF8-related condition. Last evaluated: 2019-04-04. Review status: no assertion criteria provided. Collection method: clinical testing. Allele origin: germline. Not counted in ClinVar's aggregate classification.
Comment: This variant is classified as likely benign based on ACMG/AMP sequence variant interpretation guidelines (Richards et al. 2015 PMID: 25741868, with internal and published modifications).

NM_001271938.2(MEGF8):c.8151G>A (p.Pro2717=)

Gene: MEGF8 (multiple EGF like domains 8; plus strand). Cytogenetic location: 19q13.2.
Variant type: single nucleotide variant.
Coding change: c.8151G>A on transcript NM_001271938.2 (MANE Select); coding-DNA position 8151, G replaced by A.
Protein change: p.Pro2717=; no amino-acid change (proline 2717 retained).
Molecular consequence: synonymous variant.
Genome position (GRCh38, 1-based): chr19:42,376,388, G>A. VCF-style: chr19-42376388-G-A. GRCh37 (hg19) VCF-style: chr19-42880540-G-A.
Other names: c.7950G>A, p.Pro2650= (NM_001410.3); c.7950G>A (NM_001410.2).
Identifiers: ClinVar variation 2650040 (VCV002650040.26), dbSNP rs569890011, ClinGen allele CA9476332.